The following is an entry in ClinVar:

ClinVar aggregate classification (germline): Uncertain significance. Review status: criteria provided, multiple submitters, no conflicts (2 of 4 stars). 5 submissions from 5 submitters: Uncertain significance (5). Last evaluated 2025-08-24.

Conditions:
Spermatogenic failure 28. Identifiers: MedGen C4748117, MONDO:0054732, OMIM 618086.
Premature ovarian failure 15. Identifiers: MedGen C4748170, MONDO:0054862, OMIM 618096.
Fanconi anemia (FA). Also called: Fanconi's anemia. Identifiers: Orphanet 84, MedGen C0015625, MeSH D005199, MONDO:0019391.

Allele frequency attached by ClinVar (database versions not stated): gnomAD 0.00001; TOPMed 0.00002; gnomAD exomes 0.00003.

Submissions (5):

Labcorp Genetics (formerly Invitae), Labcorp
Classification: Uncertain significance for Fanconi anemia. Last evaluated: 2025-08-24. Review status: criteria provided, single submitter. Criteria: Invitae Variant Classification Sherloc (09022015). Collection method: clinical testing. Allele origin: germline.
Comment: This sequence change replaces glycine, which is neutral and non-polar, with arginine, which is basic and polar, at codon 74 of the FANCM protein (p.Gly74Arg). This variant is present in population databases (rs765227168, gnomAD 0.003%). This variant has not been reported in the literature in individuals affected with FANCM-related conditions. ClinVar contains an entry for this variant (Variation ID: 566854). An algorithm developed to predict the effect of missense changes on protein structure and function (PolyPhen-2) suggests that this variant is likely to be disruptive. In summary, the available evidence is currently insufficient to determine the role of this variant in disease. Therefore, it has been classified as a Variant of Uncertain Significance.

Quest Diagnostics Nichols Institute San Juan Capistrano
Classification: Uncertain significance. Last evaluated: 2025-01-09. Review status: criteria provided, single submitter. Criteria: Quest Diagnostics criteria. Collection method: clinical testing. Allele origin: unknown.
Comment: The FANCM c.220G>A (p.Gly74Arg) variant has been reported in the published literature in individuals with breast cancer (PMID: 33471991 (2021), see also LOVD) and ovarian cancer (PMID: 36707629 (2023)). This variant has also been identified in reportedly healthy individuals (PMID: 33471991 (2021), see also LOVD, 36707629 (2023)). The frequency of this variant in the general population (Genome Aggregation Database) is uninformative in the assessment of its pathogenicity. Analysis of this variant using bioinformatics tools for the prediction of the effect of amino acid changes on protein structure and function yielded predictions that this variant is damaging. Based on the available information, we are unable to determine the clinical significance of this variant.

GeneDx
Classification: Uncertain significance. Last evaluated: 2024-04-17. Review status: criteria provided, single submitter. Criteria: GeneDx Variant Classification Process June 2021. Collection method: clinical testing. Allele origin: germline. Affected: yes.
Comment: Not observed at significant frequency in large population cohorts (gnomAD); In silico analysis supports that this missense variant has a deleterious effect on protein structure/function; Has not been previously published as pathogenic or benign to our knowledge

Fulgent Genetics
Classification: Uncertain significance for Spermatogenic failure 28; Premature ovarian failure 15. Last evaluated: 2021-12-16. Review status: criteria provided, single submitter. Criteria: ACMG Guidelines, 2015. Collection method: clinical testing. Allele origin: unknown.

Blueprint Genetics
Classification: Uncertain significance. Last evaluated: 2020-07-03. Review status: criteria provided, single submitter. Criteria: ACMG Guidelines, 2015. Collection method: clinical testing. Allele origin: germline.

Literature cited by the submitters: PubMed 33471991 (cited by Quest Diagnostics Nichols Institute San Juan Capistrano); PubMed 36707629 (cited by Quest Diagnostics Nichols Institute San Juan Capistrano).

NM_020937.4(FANCM):c.220G>A (p.Gly74Arg)

Gene: FANCM (FA complementation group M; plus strand). Cytogenetic location: 14q21.2.
Variant type: single nucleotide variant.
Coding change: c.220G>A on transcript NM_020937.4 (MANE Select); coding-DNA position 220, G replaced by A.
Protein change: p.Gly74Arg; replaces glycine 74 with arginine.
Molecular consequence: missense variant.
Genome position (GRCh38, 1-based): chr14:45,136,251, G>A. VCF-style: chr14-45136251-G-A. GRCh37 (hg19) VCF-style: chr14-45605454-G-A.
Other names: c.220G>A, p.Gly74Arg (NM_001308133.2, NM_001308134.2); c.220G>A (NM_020937.3); short protein forms G74R.
Identifiers: ClinVar variation 566854 (VCV000566854.15), dbSNP rs765227168, ClinGen allele CA7168718.